The following is an entry in ClinVar:

ClinVar aggregate classification (germline): Uncertain significance (1 of 4 stars; one submission).

Conditions:
GNAS-related disorder. Identifiers: MedGen CN380105.

Submission:

PreventionGenetics, part of Exact Sciences
Classification: Uncertain significance for GNAS-related condition. Last evaluated: 2025-04-30. Review status: criteria provided, single submitter. Criteria: ACMG Guidelines, 2015. Collection method: clinical testing. Allele origin: germline.
Comment: The GNAS c.686A>G variant is predicted to result in the amino acid substitution p.Asp229Gly. To our knowledge, this variant has not been reported in the literature or in a large population database (gnomAD), indicating this variant is rare. At this time, the clinical significance of this variant is uncertain due to the absence of conclusive functional and genetic evidence.

NM_000516.7(GNAS):c.686A>G (p.Asp229Gly)

Gene: GNAS (GNAS complex locus; plus strand). Cytogenetic location: 20q13.32.
Variant type: single nucleotide variant.
Coding change: c.686A>G on transcript NM_000516.7 (MANE Select); coding-DNA position 686, A replaced by G.
Protein change: p.Asp229Gly; replaces aspartic acid 229 with glycine.
Molecular consequence: missense variant. On other transcripts: 3 prime UTR variant (2).
Genome position (GRCh38, 1-based): chr20:58,909,547, A>G. VCF-style: chr20-58909547-A-G. GRCh37 (hg19) VCF-style: chr20-57484602-A-G.
Other names: c.689A>G, p.Asp230Gly (NM_001077488.5); c.641A>G, p.Asp214Gly (NM_001077489.4); c.*547A>G (NM_001077490.3); c.509A>G, p.Asp170Gly (NM_001309840.2, NM_001309861.2, NM_001438276.1 and 1 more transcripts); c.590A>G, p.Asp197Gly (NM_001410912.1); c.2570A>G, p.Asp857Gly (NM_001410913.1); c.464A>G, p.Asp155Gly (NM_001438273.1, NM_001438274.1, NM_001438275.1); c.*592A>G (NM_016592.5); and 2 more; short protein forms D214G, D215G, D872G, D155G, D197G, D230G, D170G, D229G.
Identifiers: ClinVar variation 4998386 (VCV004998386.1).